The following is an entry in ClinVar:

ClinVar aggregate classification (germline): Uncertain significance (1 of 4 stars; one submission).

Allele frequency attached by ClinVar (database versions not stated): gnomAD exomes below 0.00001 and 0.00001; TOPMed below 0.00001; gnomAD 0.00001.
gnomAD v4.1: 8 of 1,607,684 alleles (0.0005%); highest among the groups gnomAD compares: African/African-American, 0.0013%; no homozygotes.

Submission:

Labcorp Genetics (formerly Invitae), Labcorp
Classification: Uncertain significance. Last evaluated: 2023-05-22. Review status: criteria provided, single submitter. Criteria: Invitae Variant Classification Sherloc (09022015). Collection method: clinical testing. Allele origin: germline.
Comment: Variants that disrupt the consensus splice site are a relatively common cause of aberrant splicing (PMID: 17576681, 9536098). Algorithms developed to predict the effect of sequence changes on RNA splicing suggest that this variant may disrupt the consensus splice site. ClinVar contains an entry for this variant (Variation ID: 942542). This variant has not been reported in the literature in individuals affected with POLE-related conditions. This variant is present in population databases (no rsID available, gnomAD 0.007%). This sequence change falls in intron 48 of the POLE gene. It does not directly change the encoded amino acid sequence of the POLE protein. It affects a nucleotide within the consensus splice site. In summary, the available evidence is currently insufficient to determine the role of this variant in disease. Therefore, it has been classified as a Variant of Uncertain Significance.

Literature cited by the submitters: PubMed 17576681; PubMed 9536098.

NM_006231.4(POLE):c.6748-2A>G

Gene: POLE (DNA polymerase epsilon, catalytic subunit; minus strand). Cytogenetic location: 12q24.33.
Variant type: single nucleotide variant.
Coding change: c.6748-2A>G on transcript NM_006231.4 (MANE Select); the canonical splice acceptor site of the intron before coding-DNA position 6748, A replaced by G.
Molecular consequence: splice acceptor variant.
Genome position (GRCh38, 1-based): chr12:132,624,812, T>C on the plus strand (A>G on the coding strand, the complement: POLE is on the minus strand). VCF-style: chr12-132624812-T-C. GRCh37 (hg19) VCF-style: chr12-133201398-T-C.
Identifiers: ClinVar variation 942542 (VCV000942542.9), dbSNP rs1172798794, ClinGen allele CA387365941.